The following is an entry in ClinVar:

NM_020632.3(ATP6V0A4):c.2293A>G (p.Ser765Gly)

Gene: ATP6V0A4 (ATPase H+ transporting V0 subunit a4; minus strand). Cytogenetic location: 7q34.
Variant type: single nucleotide variant.
Coding change: c.2293A>G on transcript NM_020632.3 (MANE Select); coding-DNA position 2293, A replaced by G.
Protein change: p.Ser765Gly; replaces serine 765 with glycine.
Molecular consequence: missense variant.
Genome position (GRCh38, 1-based): chr7:138,709,760, T>C on the plus strand (A>G on the coding strand, the complement: ATP6V0A4 is on the minus strand). VCF-style: chr7-138709760-T-C. GRCh37 (hg19) VCF-style: chr7-138394505-T-C.
Other names: c.2293A>G, p.Ser765Gly (NM_130840.3, NM_130841.3); c.2293A>G (NM_020632.2); short protein forms S765G.
Identifiers: ClinVar variation 1437672 (VCV001437672.6), dbSNP rs200759459, ClinGen allele CA4504461.

ClinVar aggregate classification (germline): Uncertain significance. Review status: criteria provided, multiple submitters, no conflicts (2 of 4 stars). 2 submissions from 2 submitters: Uncertain significance (2). Last evaluated 2025-11-19.

Conditions:
Inborn genetic diseases. Identifiers: MedGen C0950123, MeSH D030342.

Allele frequency attached by ClinVar (database versions not stated): gnomAD exomes 0.00005 and 0.00002; gnomAD 0.00022; TOPMed 0.00027; 1000 Genomes Project 0.00040; ESP Exome Variant Server 0.00008; ExAC 0.00004; 1000 Genomes Project 30x 0.00047.
gnomAD v4.1: 65 of 1,614,120 alleles (0.004%); highest among the groups gnomAD compares: African/African-American, 0.081%; no homozygotes.

Submissions (2):

Ambry Genetics
Classification: Uncertain significance for Inborn genetic diseases. Last evaluated: 2025-11-19. Review status: criteria provided, single submitter. Criteria: Ambry Variant Classification Scheme 2023. Collection method: clinical testing. Allele origin: germline.

Labcorp Genetics (formerly Invitae), Labcorp
Classification: Uncertain significance. Last evaluated: 2022-05-15. Review status: criteria provided, single submitter. Criteria: Invitae Variant Classification Sherloc (09022015). Collection method: clinical testing. Allele origin: germline.
Comment: Algorithms developed to predict the effect of missense changes on protein structure and function (SIFT, PolyPhen-2, Align-GVGD) all suggest that this variant is likely to be tolerated. In summary, the available evidence is currently insufficient to determine the role of this variant in disease. Therefore, it has been classified as a Variant of Uncertain Significance. This variant has not been reported in the literature in individuals affected with ATP6V0A4-related conditions. This sequence change replaces serine, which is neutral and polar, with glycine, which is neutral and non-polar, at codon 765 of the ATP6V0A4 protein (p.Ser765Gly). This variant is present in population databases (rs200759459, gnomAD 0.08%).